The following is an entry in ClinVar:

NM_000051.4(ATM):c.4776+2T>A

Gene: ATM (ATM serine/threonine kinase; plus strand). Cytogenetic location: 11q22.3.
Variant type: single nucleotide variant.
Coding change: c.4776+2T>A on transcript NM_000051.4 (MANE Select); the canonical splice donor site of the intron after coding-DNA position 4776, T replaced by A.
Molecular consequence: splice donor variant.
Genome position (GRCh38, 1-based): chr11:108,293,479, T>A. VCF-style: chr11-108293479-T-A. GRCh37 (hg19) VCF-style: chr11-108164206-T-A.
Other names: c.4776+2T>A (NM_001351834.2).
Identifiers: ClinVar variation 371007 (VCV000371007.36), dbSNP rs587781927, ClinGen allele CA16041412.

ClinVar aggregate classification (germline): Pathogenic/Likely pathogenic. Review status: criteria provided, multiple submitters, no conflicts (2 of 4 stars). 9 submissions from 9 submitters: Pathogenic (4); Likely pathogenic (3). 2 of the submissions do not count toward it. Last evaluated 2025-01-30.

Conditions:
Gastric cancer. Also called: Malignant tumor of stomach; Stomach cancer. Identifiers: MedGen C0024623, MeSH D013274, MONDO:0001056, OMIM 613659, HP:0012126.
Hereditary cancer-predisposing syndrome. Also called: Neoplastic Syndromes, Hereditary; Hereditary Cancer Syndrome; Hereditary neoplastic syndrome; Tumor predisposition. Identifiers: Orphanet 140162, MedGen C0027672, MeSH D009386, MONDO:0015356.
Hereditary breast ovarian cancer syndrome. Also called: Hereditary breast and ovarian cancer syndrome; Hereditary breast and ovarian cancer syndrome (HBOC); Breast and ovarian cancer; Hereditary breast and/or ovarian cancer syndrome; Hereditary breast and ovarian cancer; BRCA1- and BRCA2-Associated Hereditary Breast and Ovarian Cancer. Identifiers: Orphanet 145, MedGen C0677776, MeSH D061325, MONDO:0003582. Disease mechanism: loss of function.
Familial cancer of breast. Also called: BREAST CANCER, FAMILIAL; Hereditary breast cancer; hereditary breast carcinoma. Identifiers: Orphanet 227535, MedGen C0346153, MONDO:0016419, OMIM 114480. Disease mechanism: loss of function.
Ataxia-telangiectasia syndrome (AT). Also called: LOUIS-BAR SYNDROME; Ataxia-telangiectasia, complementation group E; Ataxia-telangiectasia, complementation group D; AT, COMPLEMENTATION GROUP C; ATAXIA-TELANGIECTASIA, COMPLEMENTATION GROUP A; ATAXIA-TELANGIECTASIA, FRESNO VARIANT. Identifiers: Orphanet 100, MedGen C0004135, MONDO:0008840, OMIM 208900.

gnomAD v4.1: 2 of 1,607,356 alleles (0.00012%); highest among the groups gnomAD compares: East Asian, 0.0045%; no homozygotes.

Submissions (9):

Labcorp Genetics (formerly Invitae), Labcorp
Classification: Pathogenic for Ataxia-telangiectasia syndrome. Last evaluated: 2025-01-30. Review status: criteria provided, single submitter. Criteria: Invitae Variant Classification Sherloc (09022015). Collection method: clinical testing. Allele origin: germline.
Comment: This sequence change affects a donor splice site in intron 31 of the ATM gene. RNA analysis indicates that disruption of this splice site induces altered splicing and likely results in a shortened protein product. This variant is not present in population databases (gnomAD no frequency). Disruption of this splice site has been observed in individuals with ATM-related conditions (PMID: 9497252, 9600235, 12815592, 31214711, 32566746). ClinVar contains an entry for this variant (Variation ID: 371007). Studies have shown that disruption of this splice site results in skipping of exon 31, also published as exon 33, but is expected to preserve the integrity of the reading-frame (PMID: 9711876). For these reasons, this variant has been classified as Pathogenic.

Myriad Genetics, Inc.
Classification: Likely pathogenic for Familial cancer of breast. Last evaluated: 2024-01-24. Review status: criteria provided, single submitter. Criteria: Myriad Autosomal Dominant, Autosomal Recessive and X-Linked Classification Criteria (2023). Collection method: clinical testing. Allele origin: unknown.
Comment: This variant is considered likely pathogenic. This variant occurs within a consensus splice junction and is predicted to result in abnormal mRNA splicing of either an out-of-frame exon or an in-frame exon necessary for protein stability and/or normal function.

Baylor Genetics
Classification: Pathogenic for Familial cancer of breast. Last evaluated: 2024-01-04. Review status: criteria provided, single submitter. Criteria: ACMG Guidelines, 2015. Collection method: clinical testing. Allele origin: unknown.

Ambry Genetics
Classification: Pathogenic for Hereditary cancer-predisposing syndrome. Last evaluated: 2023-09-28. Review status: criteria provided, single submitter. Criteria: Ambry Variant Classification Scheme 2023. Collection method: clinical testing. Allele origin: germline.
Comment: The c.4776+2T>A intronic pathogenic mutation results from a T to A substitution two nucleotides after coding exon 30 in the ATM gene. This alteration was seen in multiple, unrelated Japanese patients with ataxia-telangiectasia, and RNA analysis demonstrated that it results in skipping of coding exon 30 (designated as exon 33 in this study) (Ejima Y et al. Hum. Genet., 1998 Apr;102:403-8). In addition, a different ATM mutation at this nucleotide position, c.4776+2T>C, was also seen in patients with ataxia-telangiectasia and was also shown to result in skipping of coding exon 30 (Gilad S et al. Am. J. Hum. Genet. 1998 Mar;62(3):551-61). This variant is considered to be rare based on population cohorts in the Genome Aggregation Database (gnomAD). In addition to the clinical data presented in the literature, alterations that disrupt the canonical splice site are expected to cause aberrant splicing, resulting in an abnormal protein or a transcript that is subject to nonsense-mediated mRNA decay. RNA studies have demonstrated that this alteration results in abnormal splicing in the set of samples tested (Ambry internal data). As such, this alteration is classified as a disease-causing mutation.

Color Diagnostics, LLC DBA Color Health
Classification: Likely pathogenic for Hereditary cancer-predisposing syndrome. Last evaluated: 2022-02-24. Review status: criteria provided, single submitter. Criteria: ACMG Guidelines, 2015. Collection method: clinical testing. Allele origin: germline.
Comment: This variant causes a T to A nucleotide substitution at the +2 position of intron 31 of the ATM gene. Splice site prediction tools predict that this variant may have a significant impact on RNA splicing. To our knowledge, functional studies have not been reported for this variant. This variant has been reported in a number of unrelated Japanese individuals affected with breast cancer (PMID: 32566746, 30287823), pancreatic cancer (PMID: 32980694; Color Health internal data), prostate cancer (PMID: 31214711), ataxia-telangiectasia (PMID: 9600235, 9711876), as well as in healthy controls (PMID: 30287823, 32980694). This variant has not been identified in the general population by the Genome Aggregation Database (gnomAD). Loss of ATM function is a known mechanism of disease. Based on the available evidence, this variant is classified as Likely Pathogenic.

Women's Health and Genetics/Laboratory Corporation of America, LabCorp
Classification: Pathogenic for Ataxia-telangiectasia syndrome. Last evaluated: 2021-03-23. Review status: criteria provided, single submitter. Criteria: LabCorp Variant Classification Summary - May 2015. Collection method: clinical testing. Allele origin: germline.
Comment: Variant summary: ATM c.4776+2T>A is located in a canonical splice-site and is predicted to affect mRNA splicing resulting in a significantly altered protein due to either exon skipping, shortening, or inclusion of intronic material. Several computational tools predict a significant impact on normal splicing: Four predict the variant abolishes a canonical 5' splicing donor site. However, these predictions have yet to be confirmed by published functional studies although one report provided indirect evidence supporting the skipping of exon 30 (legacy naming as exon 33) without presenting the data (Sasaki_1998). The variant was absent in 249594 control chromosomes. c.4776+2T>A (reported as 4612del165 or IVS33+2T>A) has been reported in the literature in multiple homozygous and compound heterozygous individuals of Japanese ancestry affected with Ataxia-Telangiectasia (example, Ejima_1998, Sasaki_1998) as well as in reports of Japanese carriers with breast cancer (example, Kaneyasu_2020, Momozawa_2018). These data indicate that the variant is very likely to be associated with disease. To our knowledge, no experimental evidence demonstrating an impact on protein function has been reported. Three clinical diagnostic laboratories and one research foundation have submitted clinical-significance assessments for this variant to ClinVar after 2014 without evidence for independent evaluation. All submitters classified the variant as pathogenic (n=1)/likely pathogenic (n=3). Some submitters cite overlapping evidence utilized in the context of this evaluation. Based on the evidence outlined above, the variant was classified as pathogenic.

Cancer Genomics Group, Japanese Foundation For Cancer Research
Classification: Likely pathogenic for Hereditary breast and ovarian cancer syndrome. Last evaluated: 2019-05-01. Review status: criteria provided, single submitter. Criteria: ACMG Guidelines, 2015. Collection method: research. Allele origin: germline. Affected: yes.

Laboratory for Genotyping Development, RIKEN
Classification: Pathogenic for Gastric cancer. Last evaluated: 2021-07-01. Review status: no assertion criteria provided. Collection method: research. Allele origin: germline. Not counted in ClinVar's aggregate classification.

Counsyl
Classification: Likely pathogenic for Ataxia-telangiectasia syndrome. Last evaluated: 2016-06-03. Review status: no assertion criteria provided. Collection method: clinical testing. Allele origin: unknown. Not counted in ClinVar's aggregate classification.

Literature cited by the submitters: PubMed 9497252 (cited by Labcorp Genetics (formerly Invitae), Labcorp); PubMed 9600235 (cited by 5 submitters); PubMed 12815592 (cited by Labcorp Genetics (formerly Invitae), Labcorp); PubMed 31214711 (cited by Labcorp Genetics (formerly Invitae), Labcorp and Color Diagnostics, LLC DBA Color Health); PubMed 32566746 (cited by 3 submitters); PubMed 9711876 (cited by 4 submitters); PubMed 30287823 (cited by Color Diagnostics, LLC DBA Color Health and Women's Health and Genetics/Laboratory Corporation of America, LabCorp); PubMed 32980694 (cited by Color Diagnostics, LLC DBA Color Health); PubMed 36988593 (cited by Laboratory for Genotyping Development, RIKEN).